The following is an entry in ClinVar:

NM_177438.3(DICER1):c.731_734del (p.Asp244fs)

Gene: DICER1 (dicer 1, ribonuclease III; minus strand). Cytogenetic location: 14q32.13.
Variant type: Deletion.
Coding change: c.731_734del on transcript NM_177438.3 (MANE Select); coding-DNA positions 731 to 734, 4 bases deleted (ACAG; older notation c.731_734delACAG).
Protein change: p.Asp244fs; shifts the reading frame from aspartic acid 244.
Molecular consequence: frameshift variant. On other transcripts: 5 prime UTR variant (1), non-coding transcript variant (6).
Genome position (GRCh38, 1-based): chr14:95,129,472-95,129,475, CTGT deleted on the plus strand (ACAG on the coding strand, the reverse complement: DICER1 is on the minus strand); deleting any 4 consecutive bases within chr14:95,129,472-95,129,477 gives the same sequence; the c. name uses the placement nearest the transcript's 3' end. VCF-style (leftmost placement, unchanged base first): chr14-95129471-CCTGT-C. GRCh37 (hg19) VCF-style: chr14-95595808-CCTGT-C.
Other names: p.(Asp244Glyfs*27); c.731_734del, p.Asp244fs (NM_001395678.1, NM_001395679.1, NM_001395680.1 and 14 more transcripts); c.729_732delAGAC, p.Asp244Glyfs (NM_001395681.1); c.449_452del, p.Asp150fs (NM_001395686.1); c.164_167del, p.Asp55fs (NM_001395691.1); c.326_329del, p.Asp109fs (NM_001395687.1, NM_001395688.1, NM_001395689.1 and 3 more transcripts); c.731_734delACAG (NM_177438.2); c.-838_-835del (NM_001395697.1); short protein forms D244fs, D109fs, D150fs, D55fs.
Identifiers: ClinVar variation 2706758 (VCV002706758.5), dbSNP rs2543280318, ClinGen allele CA2697554181.

ClinVar aggregate classification (germline): Pathogenic. Review status: criteria provided, multiple submitters, no conflicts (2 of 4 stars). 3 submissions from 3 submitters: Pathogenic (3). Last evaluated 2025-12-01.

Conditions:
DICER1-related tumor predisposition. Also called: DICER1 syndrome; DICER1-related pleuropulmonary blastoma cancer predisposition syndrome. Identifiers: Orphanet 284343, MedGen C3839822, MONDO:0100216.
Hereditary cancer-predisposing syndrome. Also called: Neoplastic Syndromes, Hereditary; Hereditary neoplastic syndrome; Tumor predisposition; Hereditary Cancer Syndrome. Identifiers: Orphanet 140162, MedGen C0027672, MeSH D009386, MONDO:0015356.

Submissions (3):

Unidad de Genómica Garrahan, Hospital de Pediatría Garrahan
Classification: Pathogenic for DICER1-related tumor predisposition. Last evaluated: 2025-12-01. Review status: criteria provided, single submitter. Criteria: Hatton et al. (Hum Mutat. 2023). Collection method: clinical testing. Allele origin: germline. Affected: yes.
Comment: Frameshift variant predicted to result in protein truncation in a gene for which loss-of-function is a known mechanism of disease (PVS1_very strong). This variant is not reported in population-based cohorts in the Genome Aggregation Database (gnomAD) (PM2_Supporting). Based on the available evidence and following the ClinGen DICER1 and miRNA-Processing Gene Expert Panel Specifications to the ACMG/AMP Variant Interpretation Guidelines for DICER1 (PMID: 38084291) this alteration is classified as pathogenic.

Ambry Genetics
Classification: Pathogenic for Hereditary cancer-predisposing syndrome. Last evaluated: 2024-07-06. Review status: criteria provided, single submitter. Criteria: Ambry Variant Classification Scheme 2023. Collection method: clinical testing. Allele origin: germline.
Comment: The c.731_734delACAG pathogenic mutation, located in coding exon 5 of the DICER1 gene, results from a deletion of 4 nucleotides at nucleotide positions 731 to 734, causing a translational frameshift with a predicted alternate stop codon (p.D244Gfs*27). This variant is considered to be rare based on population cohorts in the Genome Aggregation Database (gnomAD). This alteration is expected to result in loss of function by premature protein truncation or nonsense-mediated mRNA decay. As such, this alteration is interpreted as a disease-causing mutation.

Labcorp Genetics (formerly Invitae), Labcorp
Classification: Pathogenic for DICER1-related tumor predisposition. Last evaluated: 2023-12-31. Review status: criteria provided, single submitter. Criteria: Invitae Variant Classification Sherloc (09022015). Collection method: clinical testing. Allele origin: germline.
Comment: This sequence change creates a premature translational stop signal (p.Asp244Glyfs*27) in the DICER1 gene. It is expected to result in an absent or disrupted protein product. Loss-of-function variants in DICER1 are known to be pathogenic (PMID: 19556464, 21266384). This variant is not present in population databases (gnomAD no frequency). This variant has not been reported in the literature in individuals affected with DICER1-related conditions. Algorithms developed to predict the effect of sequence changes on RNA splicing suggest that this variant may disrupt the consensus splice site. For these reasons, this variant has been classified as Pathogenic.

Literature cited by the submitters: PubMed 19556464 (cited by Labcorp Genetics (formerly Invitae), Labcorp); PubMed 21266384 (cited by Labcorp Genetics (formerly Invitae), Labcorp).